The following is an entry in ClinVar:

ClinVar aggregate classification (germline): Uncertain significance (1 of 4 stars; one submission).

Conditions:
Nemaline myopathy 2 (NEM2). Also called: Nemaline myopathy 2, autosomal recessive. Identifiers: MedGen C1850569, MONDO:0009725, OMIM 256030.

Submission:

Labcorp Genetics (formerly Invitae), Labcorp
Classification: Uncertain significance for Nemaline myopathy 2. Last evaluated: 2021-06-06. Review status: criteria provided, single submitter. Criteria: Invitae Variant Classification Sherloc (09022015). Collection method: clinical testing. Allele origin: germline.
Comment: This sequence change replaces lysine with arginine at codon 5883 of the NEB protein (p.Lys5883Arg). The lysine residue is moderately conserved and there is a small physicochemical difference between lysine and arginine. This variant is not present in population databases (ExAC no frequency). This variant has not been reported in the literature in individuals with NEB-related conditions. Algorithms developed to predict the effect of missense changes on protein structure and function are either unavailable or do not agree on the potential impact of this missense change (SIFT: "Deleterious"; PolyPhen-2: "Not Available"; Align-GVGD: "Class C0"). In summary, the available evidence is currently insufficient to determine the role of this variant in disease. Therefore, it has been classified as a Variant of Uncertain Significance.

NM_001164508.2(NEB):c.17648A>G (p.Lys5883Arg)

Gene: NEB (nebulin; minus strand). Cytogenetic location: 2q23.3.
Variant type: single nucleotide variant.
Coding change: c.17648A>G on transcript NM_001164508.2 (MANE Select); coding-DNA position 17648, A replaced by G.
Protein change: p.Lys5883Arg; replaces lysine 5883 with arginine.
Molecular consequence: missense variant.
Genome position (GRCh38, 1-based): chr2:151,568,404, T>C on the plus strand (A>G on the coding strand, the complement: NEB is on the minus strand). VCF-style: chr2-151568404-T-C. GRCh37 (hg19) VCF-style: chr2-152424918-T-C.
Other names: c.17648A>G, p.Lys5883Arg (NM_001164507.2, NM_001271208.2); c.12545A>G, p.Lys4182Arg (NM_004543.5); short protein forms K4182R, K5883R.
Identifiers: ClinVar variation 1953788 (VCV001953788.2), dbSNP rs2552194497, ClinGen allele CA348805035.
Genomic context (GRCh38, chr2:151,568,404, plus strand): 5'-GCAGTGTGCAGCAGGGGGGTTTCTGTGAGGGTGTACTTTGATTTGGTGGCATTCCAGTCT[T>C]TCCGGTATTTAATCTAAAAAAAAAAAAATGAGAGGCAAGGGGGCAAGTTACTTGTTAAGA-3'
Protein context (NP_001157980.2, residues 5873-5893): GEILDDIKYR[Lys5883Arg]DWNATKSKYT